The following is an entry in ClinVar:

ClinVar aggregate classification (germline): Uncertain significance (1 of 4 stars; one submission).

Submission:

Clinical Genomics Laboratory, Washington University in St. Louis
Classification: Uncertain significance. Last evaluated: 2023-12-21. Review status: criteria provided, single submitter. Criteria: ACMG Guidelines, 2015. Collection method: clinical testing. Allele origin: germline.
Comment: The ZFHX3 c.76G>T (p.Glu26Ter) variant, to our knowledge, has not been reported in the medical literature and is absent from the general population (gnomAD v.2.1.1), indicating it is not a common variant. This variant results in a premature termination codon, which is predicted to lead to nonsense mediated decay. Truncating ZFHX3 variants have been recently described to be associated with a novel neurodevelopmental syndrome (Del Rocio Perez Baca M et al., PMID: 37292950). Due to limited information, the clinical significance of this variant is uncertain.

NM_006885.4(ZFHX3):c.76G>T (p.Glu26Ter)

Gene: ZFHX3 (zinc finger homeobox 3; minus strand). Cytogenetic location: 16q22.3.
Variant type: single nucleotide variant.
Coding change: c.76G>T on transcript NM_006885.4 (MANE Select); coding-DNA position 76, G replaced by T.
Protein change: p.Glu26Ter; replaces glutamic acid 26 with a stop codon.
Molecular consequence: nonsense. On other transcripts: intron variant (1).
Genome position (GRCh38, 1-based): chr16:72,960,070, C>A on the plus strand (G>T on the coding strand, the complement: ZFHX3 is on the minus strand). VCF-style: chr16-72960070-C-A. GRCh37 (hg19) VCF-style: chr16-72993969-C-A.
Other names: c.76G>T, p.Glu26Ter (NM_001386735.1); c.-23-9105G>T (NM_001164766.2); short protein forms E26*.
Identifiers: ClinVar variation 3236590 (VCV003236590.1), dbSNP rs2507215421, ClinGen allele CA396741804.